The following is an entry in ClinVar:

NM_000094.4(COL7A1):c.3894+1G>A

Gene: COL7A1 (collagen type VII alpha 1 chain; minus strand). Cytogenetic location: 3p21.31.
Variant type: single nucleotide variant.
Coding change: c.3894+1G>A on transcript NM_000094.4 (MANE Select); the canonical splice donor site of the intron after coding-DNA position 3894, G replaced by A.
Molecular consequence: splice donor variant.
Genome position (GRCh38, 1-based): chr3:48,585,556, C>T on the plus strand (G>A on the coding strand, the complement: COL7A1 is on the minus strand). VCF-style: chr3-48585556-C-T. GRCh37 (hg19) VCF-style: chr3-48622989-C-T.
Identifiers: ClinVar variation 1685663 (VCV001685663.6), dbSNP rs2107741719, ClinGen allele CA352700488.
Genomic context (GRCh38, chr3:48,585,556, plus strand): 5'-AAAAACCCCGAGACAGCTTTGAGGAGTGCCTCAGAGAAACCTCGATGGTCTCCACACTCA[C>T]CCTCTCGCCCTTGGCAGTGGCACTTCCAGGGGGCCCCTGGGGGCCGGGAGCACCGGTCCT-3'

ClinVar aggregate classification (germline): Pathogenic/Likely pathogenic. Review status: criteria provided, multiple submitters, no conflicts (2 of 4 stars). 3 submissions from 3 submitters: Pathogenic (1); Likely pathogenic (2). Last evaluated 2025-09-12.

Conditions:
Transient bullous dermolysis of the newborn (TBDN). Also called: DYSTROPHIC EPIDERMOLYSIS BULLOSA, NEONATAL; EPIDERMOLYSIS BULLOSA DYSTROPHICA, NEONATAL FORM. Identifiers: Orphanet 79411, MedGen C1851573, MONDO:0007548, OMIM 131705.

Allele frequency attached by ClinVar (database versions not stated): gnomAD exomes below 0.00001.
gnomAD v4.1: 2 of 1,613,850 alleles (0.00012%); highest among the groups gnomAD compares: Non-Finnish European, 0.000085%; no homozygotes.

Submissions (3):

Dasa
Classification: Likely pathogenic. Last evaluated: 2025-09-12. Review status: criteria provided, single submitter. Criteria: DASA Assertion Criteria. Collection method: clinical testing. Allele origin: germline.
Comment: NM_000094.4(COL7A1):c.3894+1G>A affects a canonical splice site and is predicted to disrupt normal RNA splicing. Loss of function is an established disease mechanism for COL7A1-associated disorders. This variant has been reported in individuals with COL7A1-related disorders (PMID: 20598510). Also, this variant is rare in population databases. Based on the currently available evidence, this variant is classified as likely pathogenic.

Labcorp Genetics (formerly Invitae), Labcorp
Classification: Likely pathogenic. Last evaluated: 2023-08-01. Review status: criteria provided, single submitter. Criteria: Invitae Variant Classification Sherloc (09022015). Collection method: clinical testing. Allele origin: germline.
Comment: Disruption of this splice site has been observed in individual(s) with autosomal recessive dystrophic epidermolysis bullosa (PMID: 20598510). This variant is not present in population databases (gnomAD no frequency). This sequence change affects a donor splice site in intron 31 of the COL7A1 gene. It is expected to disrupt splicing. Variants that disrupt the donor or acceptor splice site typically lead to a loss of protein function (PMID: 16199547), and loss-of-function variants in COL7A1 are known to be disease-causing for autosomal recessive dystrophic epidermolysis bullosa (PMID: 16971478). However, certain variants affecting donor or acceptor splice sites in the triple helical domain of COL7A1 are expected to result in in-frame exon skipping and have been reported to cause autosomal dominant dystrophic epidermolysis bullosa (PMID: 31670143). In summary, the currently available evidence indicates that the variant is pathogenic, but additional data are needed to prove that conclusively. Therefore, this variant has been classified as Likely Pathogenic. Algorithms developed to predict the effect of sequence changes on RNA splicing suggest that this variant may disrupt the consensus splice site. ClinVar contains an entry for this variant (Variation ID: 1685663).

Mendelics
Classification: Pathogenic for Transient bullous dermolysis of the newborn. Last evaluated: 2022-05-04. Review status: criteria provided, single submitter. Criteria: Mendelics Assertion Criteria 2019. Collection method: clinical testing. Allele origin: germline.

Literature cited by the submitters: PubMed 20598510 (cited by Dasa and Labcorp Genetics (formerly Invitae), Labcorp); PubMed 16199547 (cited by Labcorp Genetics (formerly Invitae), Labcorp); PubMed 16971478 (cited by Labcorp Genetics (formerly Invitae), Labcorp); PubMed 31670143 (cited by Labcorp Genetics (formerly Invitae), Labcorp).